The following is an entry in ClinVar:

NM_001114122.3(CHEK1):c.1036C>T (p.Gln346Ter)

Gene: CHEK1 (checkpoint kinase 1; plus strand). Cytogenetic location: 11q24.2.
Variant type: single nucleotide variant.
Coding change: c.1036C>T on transcript NM_001114122.3 (MANE Select); coding-DNA position 1036, C replaced by T.
Protein change: p.Gln346Ter; replaces glutamine 346 with a stop codon.
Molecular consequence: nonsense. On other transcripts: non-coding transcript variant (2).
Genome position (GRCh38, 1-based): chr11:125,644,203, C>T. VCF-style: chr11-125644203-C-T. GRCh37 (hg19) VCF-style: chr11-125514098-C-T.
Other names: c.1036C>T, p.Gln346Ter (NM_001114121.2, NM_001244846.1, NM_001274.5); c.733C>T, p.Gln245Ter (NM_001330427.2); c.754C>T, p.Gln252Ter (NM_001330428.1); short protein forms Q245*, Q252*, Q346*.
Identifiers: ClinVar variation 2576413 (VCV002576413.3), dbSNP rs199535573, ClinGen allele CA501216.
Genomic context (GRCh38, chr11:125,644,203, plus strand): 5'-TCCTTATGGGATACCAGCCCCTCATACATTGATAAATTGGTACAAGGGATCAGCTTTTCC[C>T]AGCCCACATGTCCTGATCATATGCTTTTGAATAGTCAGTTACTTGGCACCCCAGGATCCT-3'

ClinVar aggregate classification (germline): Likely pathogenic. Review status: criteria provided, multiple submitters, no conflicts (2 of 4 stars). 2 submissions from 2 submitters: Likely pathogenic (2). Last evaluated 2025-03-04.

Conditions:
Male infertility due to gonadal dysgenesis or sperm disorder. Identifiers: Orphanet 399764, MedGen C5680033, MONDO:0018389.

Allele frequency attached by ClinVar (database versions not stated): ExAC 0.00002; gnomAD 0.00005; TOPMed 0.00005; gnomAD exomes 0.00006; ESP Exome Variant Server 0.00008.
gnomAD v4.1: 95 of 1,614,056 alleles (0.0059%); highest among the groups gnomAD compares: Non-Finnish European, 0.0077%; no homozygotes.

Submissions (2):

Center for Genomic Medicine, Rigshospitalet, Copenhagen University Hospital
Classification: Likely pathogenic. Last evaluated: 2025-03-04. Review status: criteria provided, single submitter. Criteria: ACMG Guidelines, 2015. Collection method: clinical testing. Allele origin: germline.

Laan Lab, Human Genetics Research Group, University of Tartu
Classification: Likely pathogenic for Male infertility due to gonadal dysgenesis or sperm disorder. Last evaluated: 2023-12-01. Review status: criteria provided, single submitter. Criteria: ACMG Guidelines, 2015. Collection method: research. Allele origin: paternal. Inheritance: Oligogenic inheritance. Affected: yes. Observed: 1 variant allele, 1 heterozygote.

Literature cited by the submitters: PubMed 33504652 (cited by Center for Genomic Medicine, Rigshospitalet, Copenhagen University Hospital); PubMed 24240112 (cited by Center for Genomic Medicine, Rigshospitalet, Copenhagen University Hospital); DOI 10.3389/fendo.2024.1312357 (cited by Laan Lab, Human Genetics Research Group, University of Tartu).